The following is an entry in ClinVar:

NM_006231.4(POLE):c.4276G>A (p.Val1426Ile)

Gene: POLE (DNA polymerase epsilon, catalytic subunit; minus strand). Cytogenetic location: 12q24.33.
Variant type: single nucleotide variant.
Coding change: c.4276G>A on transcript NM_006231.4 (MANE Select); coding-DNA position 4276, G replaced by A.
Protein change: p.Val1426Ile; replaces valine 1426 with isoleucine.
Molecular consequence: missense variant.
Genome position (GRCh38, 1-based): chr12:132,643,851, C>T on the plus strand (G>A on the coding strand, the complement: POLE is on the minus strand). VCF-style: chr12-132643851-C-T. GRCh37 (hg19) VCF-style: chr12-133220437-C-T.
Other names: p.Val1426Ile; short protein forms V1426I.
Identifiers: ClinVar variation 405845 (VCV000405845.15), dbSNP rs775072147, ClinGen allele CA6892923.

ClinVar aggregate classification (germline): Conflicting classifications of pathogenicity. Review status: criteria provided, conflicting classifications (1 of 4 stars). 5 submissions from 5 submitters: Uncertain significance (4); Likely benign (1). Last evaluated 2025-12-13.

Conditions:
Hereditary cancer-predisposing syndrome. Also called: Hereditary Cancer Syndrome; Hereditary neoplastic syndrome; Neoplastic Syndromes, Hereditary; Tumor predisposition. Identifiers: Orphanet 140162, MedGen C0027672, MeSH D009386, MONDO:0015356.
Facial dysmorphism-immunodeficiency-livedo-short stature syndrome. Also called: Facial dysmorphism, immunodeficiency, livedo, and short stature; FILS syndrome. Identifiers: Orphanet 352712, MedGen C3554576, MONDO:0014058, OMIM 615139.
Colorectal cancer, susceptibility to, 12 (CRCS12). Also called: COLORECTAL CANCER, SUSCEPTIBILITY TO, ON CHROMOSOME 12q24. Identifiers: Orphanet 220460, MedGen C3554460, MONDO:0014038, OMIM 615083.
Intrauterine growth retardation, metaphyseal dysplasia, adrenal hypoplasia congenita, genital anomalies, and immunodeficiency. Also called: IMAGEI SYNDROME. Identifiers: MedGen C5193036, MONDO:0032684, OMIM 618336.

Allele frequency attached by ClinVar (database versions not stated): gnomAD 0.00001; TOPMed 0.00002; ExAC 0.00003; gnomAD exomes 0.00006.
gnomAD v4.1: 37 of 1,613,894 alleles (0.0023%); highest among the groups gnomAD compares: East Asian, 0.02%; no homozygotes.

Submissions (5):

Labcorp Genetics (formerly Invitae), Labcorp
Classification: Uncertain significance. Last evaluated: 2025-12-13. Review status: criteria provided, single submitter. Criteria: Invitae Variant Classification Sherloc (09022015). Collection method: clinical testing. Allele origin: germline.
Comment: This sequence change replaces valine, which is neutral and non-polar, with isoleucine, which is neutral and non-polar, at codon 1426 of the POLE protein (p.Val1426Ile). This variant is present in population databases (rs775072147, gnomAD 0.03%). This missense change has been observed in individual(s) with POLE-related conditions (PMID: 32522261). ClinVar contains an entry for this variant (Variation ID: 405845). Invitae Evidence Modeling of protein sequence and biophysical properties (such as structural, functional, and spatial information, amino acid conservation, physicochemical variation, residue mobility, and thermodynamic stability) indicates that this missense variant is not expected to disrupt POLE protein function with a negative predictive value of 80%. In summary, the available evidence is currently insufficient to determine the role of this variant in disease. Therefore, it has been classified as a Variant of Uncertain Significance.

Ambry Genetics
Classification: Likely benign for Hereditary cancer-predisposing syndrome. Last evaluated: 2024-08-23. Review status: criteria provided, single submitter. Criteria: Ambry Variant Classification Scheme 2023. Collection method: clinical testing. Allele origin: germline.

Mayo Clinic Laboratories, Mayo Clinic
Classification: Uncertain significance. Last evaluated: 2023-08-10. Review status: criteria provided, single submitter. Criteria: ACMG Guidelines, 2015. Collection method: clinical testing. Allele origin: germline. Observed: 2 variant alleles.
Comment: BP4

GeneDx
Classification: Uncertain significance. Last evaluated: 2021-12-07. Review status: criteria provided, single submitter. Criteria: GeneDx Variant Classification Process June 2021. Collection method: clinical testing. Allele origin: germline. Affected: yes.
Comment: In silico analysis supports that this missense variant does not alter protein structure/function; Has not been previously published as pathogenic or benign to our knowledge; This variant is associated with the following publications: (PMID: 26928463, 28427513)

Fulgent Genetics
Classification: Uncertain significance for Colorectal cancer, susceptibility to, 12; Facial dysmorphism-immunodeficiency-livedo-short stature syndrome; Intrauterine growth retardation, metaphyseal dysplasia, adrenal hypoplasia congenita, genital anomalies, and immunodeficiency. Last evaluated: 2021-11-24. Review status: criteria provided, single submitter. Criteria: ACMG Guidelines, 2015. Collection method: clinical testing. Allele origin: unknown.

Literature cited by the submitters: PubMed 32522261 (cited by Labcorp Genetics (formerly Invitae), Labcorp and Mayo Clinic Laboratories, Mayo Clinic).